The following is an entry in ClinVar:

NM_001379500.1(COL18A1):c.107-12513dup

Gene: COL18A1 (collagen type XVIII alpha 1 chain; plus strand). Cytogenetic location: 21q22.3.
Variant type: Duplication.
Coding change: c.107-12513dup on transcript NM_001379500.1 (MANE Select); 12513 bases into the intron before coding-DNA position 107, one base duplicated (C; older notation c.107-12513dupC).
Molecular consequence: intron variant. On other transcripts: frameshift variant (2).
Genome position (GRCh38, 1-based): chr21:45,455,729, C duplicated; the last of 6 consecutive C bases (chr21:45,455,724-45,455,729); duplicating any one gives the same sequence. VCF-style (leftmost placement, unchanged base first): chr21-45455723-A-AC. GRCh37 (hg19) VCF-style: chr21-46875637-A-AC.
Other names: c.199dup, p.Arg67fs (NM_030582.4, NM_130444.3); short protein forms R67fs.
Identifiers: ClinVar variation 2093415 (VCV002093415.1), dbSNP rs764004091, ClinGen allele CA10065407.

ClinVar aggregate classification (germline): Uncertain significance (1 of 4 stars; one submission).

Submission:

Labcorp Genetics (formerly Invitae), Labcorp
Classification: Uncertain significance. Last evaluated: 2022-04-11. Review status: criteria provided, single submitter. Criteria: Invitae Variant Classification Sherloc (09022015). Collection method: clinical testing. Allele origin: germline.
Comment: This sequence change creates a premature translational stop signal (p.Arg67Profs*15) in the COL18A1 gene. However, it is currently unclear if variants that occur in this region of the gene cause disease. The COL18A1 gene has multiple clinically relevant transcripts. This variant occurs in alternate transcript NM_030582.3, and corresponds to NM_130445.3:c.107-12513_107-12512insC in the primary transcript. The frequency data for this variant in the population databases is considered unreliable, as metrics indicate poor data quality at this position in the gnomAD database. This variant has not been reported in the literature in individuals affected with COL18A1-related conditions. Experimental studies and prediction algorithms are not available or were not evaluated, and the functional significance of this variant is currently unknown. In summary, the available evidence is currently insufficient to determine the role of this variant in disease. Therefore, it has been classified as a Variant of Uncertain Significance.